The following is an entry in ClinVar:

NM_000237.3(LPL):c.83C>A (p.Ala28Asp)

Gene: LPL (lipoprotein lipase; plus strand). Cytogenetic location: 8p21.3.
Variant type: single nucleotide variant.
Coding change: c.83C>A on transcript NM_000237.3 (MANE Select); coding-DNA position 83, C replaced by A.
Protein change: p.Ala28Asp; replaces alanine 28 with aspartic acid.
Molecular consequence: missense variant.
Genome position (GRCh38, 1-based): chr8:19,939,523, C>A. VCF-style: chr8-19939523-C-A. GRCh37 (hg19) VCF-style: chr8-19797034-C-A.
Other names: short protein forms A28D.
Identifiers: ClinVar variation 3539213 (VCV003539213.1).

ClinVar aggregate classification (germline): Uncertain significance (1 of 4 stars; one submission).

Conditions:
Cardiovascular phenotype. Identifiers: MedGen CN230736.

Submission:

Ambry Genetics
Classification: Uncertain significance for Cardiovascular phenotype. Last evaluated: 2024-07-30. Review status: criteria provided, single submitter. Criteria: Ambry Variant Classification Scheme 2023. Collection method: clinical testing. Allele origin: germline.
Comment: The p.A28D variant (also known as c.83C>A), located in coding exon 1 of the LPL gene, results from a C to A substitution at nucleotide position 83. The alanine at codon 28 is replaced by aspartic acid, an amino acid with dissimilar properties. This amino acid position is conserved. In addition, this alteration is predicted to be tolerated by in silico analysis. Based on the available evidence, the clinical significance of this variant remains unclear.